The following is an entry in ClinVar:

ClinVar aggregate classification (germline): Conflicting classifications of pathogenicity. Review status: criteria provided, conflicting classifications (1 of 4 stars). 3 submissions from 3 submitters: Uncertain significance (1); Likely benign (2). Last evaluated 2023-06-08.

Conditions:
Osteogenesis imperfecta type I (OI1). Also called: Lobstein's Disease; Lobstein disease; Classic Non-deforming Osteogenesis Imperfecta with Blue Sclerae; OI, TYPE I; OSTEOGENESIS IMPERFECTA TARDA; OSTEOGENESIS IMPERFECTA WITH BLUE SCLERAE. Identifiers: Orphanet 216796, Orphanet 666, MedGen C0023931, MONDO:0008146, OMIM 166200. Disease mechanism: loss of function.

Allele frequency attached by ClinVar (database versions not stated): ExAC 0.00001; gnomAD 0.00001; gnomAD exomes 0.00001; TOPMed 0.00002.

Submissions (3):

Blueprint Genetics
Classification: Likely benign. Last evaluated: 2023-06-08. Review status: criteria provided, single submitter. Criteria: ACMG Guidelines, 2015. Collection method: clinical testing. Allele origin: germline.

Labcorp Genetics (formerly Invitae), Labcorp
Classification: Likely benign for Osteogenesis imperfecta type I. Last evaluated: 2023-04-18. Review status: criteria provided, single submitter. Criteria: Invitae Variant Classification Sherloc (09022015). Collection method: clinical testing. Allele origin: germline.

GeneDx
Classification: Uncertain significance. Last evaluated: 2019-06-25. Review status: criteria provided, single submitter. Criteria: GeneDx Variant Classification Process June 2021. Collection method: clinical testing. Allele origin: germline. Affected: yes.
Comment: Has not been previously published as pathogenic or benign to our knowledge; In silico analysis, which includes protein predictors and evolutionary conservation, supports that this variant does not alter protein structure/function; Occurs in the triple helical domain at the Y position in the canonical Gly-X-Y repeat. Although this variant may have an effect on normal protein folding and function, missense substitution at the Y position is not a common mechanism of disease (Stenson et al., 2014)

NM_000088.4(COL1A1):c.1072C>G (p.Gln358Glu)

Gene: COL1A1 (collagen type I alpha 1 chain; minus strand). Cytogenetic location: 17q21.33.
Variant type: single nucleotide variant.
Coding change: c.1072C>G on transcript NM_000088.4 (MANE Select); coding-DNA position 1072, C replaced by G.
Protein change: p.Gln358Glu; replaces glutamine 358 with glutamic acid.
Molecular consequence: missense variant.
Genome position (GRCh38, 1-based): chr17:50,195,650, G>C on the plus strand (C>G on the coding strand, the complement: COL1A1 is on the minus strand). VCF-style: chr17-50195650-G-C. GRCh37 (hg19) VCF-style: chr17-48273011-G-C.
Other names: short protein forms Q358E.
Identifiers: ClinVar variation 1306626 (VCV001306626.9), dbSNP rs749024135, ClinGen allele CA8645399.